The following is an entry in ClinVar:

NM_000059.4(BRCA2):c.1979C>G (p.Thr660Ser)

Gene: BRCA2 (BRCA2 DNA repair associated; plus strand). Cytogenetic location: 13q13.1.
Variant type: single nucleotide variant.
Coding change: c.1979C>G on transcript NM_000059.4 (MANE Select); coding-DNA position 1979, C replaced by G.
Protein change: p.Thr660Ser; replaces threonine 660 with serine.
Molecular consequence: missense variant. On other transcripts: non-coding transcript variant (1), intron variant (2).
Genome position (GRCh38, 1-based): chr13:32,336,334, C>G. VCF-style: chr13-32336334-C-G. GRCh37 (hg19) VCF-style: chr13-32910471-C-G.
Other names: c.1979C>G, p.Thr660Ser (NM_001406719.1, NM_001406720.1); c.1909+2947C>G (NM_001406721.1); c.424+5304C>G (NM_001406722.1); short protein forms T660S.
Identifiers: ClinVar variation 2565995 (VCV002565995.5), dbSNP rs762591130, ClinGen allele CA6940571.

ClinVar aggregate classification (germline): Conflicting classifications of pathogenicity. Review status: criteria provided, conflicting classifications (1 of 4 stars). 2 submissions from 2 submitters: Uncertain significance (1); Likely benign (1). Last evaluated 2025-07-23.

Conditions:
Hereditary breast ovarian cancer syndrome. Also called: BRCA1- and BRCA2-Associated Hereditary Breast and Ovarian Cancer; Hereditary breast and ovarian cancer syndrome (HBOC); Hereditary breast and ovarian cancer syndrome; Breast and ovarian cancer; Hereditary breast and/or ovarian cancer syndrome; Hereditary breast and ovarian cancer. Identifiers: Orphanet 145, MedGen C0677776, MeSH D061325, MONDO:0003582. Disease mechanism: loss of function.
Hereditary cancer-predisposing syndrome. Also called: Neoplastic Syndromes, Hereditary; Hereditary Cancer Syndrome; Hereditary neoplastic syndrome; Tumor predisposition. Identifiers: Orphanet 140162, MedGen C0027672, MeSH D009386, MONDO:0015356.

Allele frequency attached by ClinVar (database versions not stated): gnomAD exomes below 0.00001; ExAC 0.00001.
gnomAD v4.1: 1 of 1,605,166 alleles (0.000062%); highest among the groups gnomAD compares: African/African-American, 0.0013%; no homozygotes.

Submissions (2):

Ambry Genetics
Classification: Likely benign for Hereditary cancer-predisposing syndrome. Last evaluated: 2025-07-23. Review status: criteria provided, single submitter. Criteria: Ambry Variant Classification Scheme 2023. Collection method: clinical testing. Allele origin: germline.

Labcorp Genetics (formerly Invitae), Labcorp
Classification: Uncertain significance for Hereditary breast ovarian cancer syndrome. Last evaluated: 2024-10-22. Review status: criteria provided, single submitter. Criteria: Invitae Variant Classification Sherloc (09022015). Collection method: clinical testing. Allele origin: germline.
Comment: This sequence change replaces threonine, which is neutral and polar, with serine, which is neutral and polar, at codon 660 of the BRCA2 protein (p.Thr660Ser). This variant is present in population databases (rs762591130, gnomAD 0.007%). This variant has not been reported in the literature in individuals affected with BRCA2-related conditions. ClinVar contains an entry for this variant (Variation ID: 2565995). Invitae Evidence Modeling of protein sequence and biophysical properties (such as structural, functional, and spatial information, amino acid conservation, physicochemical variation, residue mobility, and thermodynamic stability) indicates that this missense variant is not expected to disrupt BRCA2 protein function with a negative predictive value of 95%. In summary, the available evidence is currently insufficient to determine the role of this variant in disease. Therefore, it has been classified as a Variant of Uncertain Significance.